The following is an entry in ClinVar:

ClinVar aggregate classification (germline): Likely pathogenic (1 of 4 stars; one submission).

Conditions:
Dilated cardiomyopathy 1G (CMD1G). Identifiers: Orphanet 154, MedGen C1858763, MONDO:0011400, OMIM 604145.
Autosomal recessive limb-girdle muscular dystrophy type 2J (LGMDR10). Also called: Limb-girdle muscular dystrophy, type 2J; MUSCULAR DYSTROPHY, LIMB-GIRDLE, AUTOSOMAL RECESSIVE 10. Identifiers: Orphanet 140922, MedGen C1837342, MONDO:0012127, OMIM 608807.

Submission:

Labcorp Genetics (formerly Invitae), Labcorp
Classification: Likely pathogenic for Dilated cardiomyopathy 1G; Autosomal recessive limb-girdle muscular dystrophy type 2J. Last evaluated: 2021-04-06. Review status: criteria provided, single submitter. Criteria: Invitae Variant Classification Sherloc (09022015). Collection method: clinical testing. Allele origin: germline.
Comment: In summary, the currently available evidence indicates that the variant is pathogenic, but additional data are needed to prove that conclusively. Therefore, this variant has been classified as Likely Pathogenic. This variant is located in the A band of TTN (PMID: 25589632). Truncating variants in this region are significantly overrepresented in patients affected with dilated cardiomyopathy (PMID: 25589632). Truncating variants in this region have also been reported in individuals affected with autosomal recessive centronuclear myopathy (PMID: 23975875). This variant has not been reported in the literature in individuals with TTN-related conditions. This variant is not present in population databases (ExAC no frequency). This sequence change creates a premature translational stop signal (p.Gly29319Glufs*82) in the TTN gene. While this is not anticipated to result in nonsense mediated decay, it is expected to create a truncated TTN protein

Literature cited by the submitters: PubMed 25589632; PubMed 23975875.

NM_001267550.2(TTN):c.87954del (p.Gly29319fs)

Genes: TTN (titin; minus strand), TTN-AS1 (TTN antisense RNA 1; plus strand). Cytogenetic location: 2q31.2.
Variant type: Deletion.
Coding change: c.87954del on transcript NM_001267550.2 (MANE Select); coding-DNA position 87954, one base deleted (T; older notation c.87954delT).
Protein change: p.Gly29319fs; shifts the reading frame from glycine 29319.
Molecular consequence: frameshift variant.
Genome position (GRCh38, 1-based): chr2:178,557,308, A deleted on the plus strand (T on the coding strand, the reverse complement: TTN is on the minus strand). VCF-style (leftmost placement, unchanged base first): chr2-178557307-CA-C. GRCh37 (hg19) VCF-style: chr2-179422034-CA-C.
Other names: c.83031del, p.Gly27678fs (NM_001256850.1); c.60759del, p.Gly20254fs (NM_003319.4); c.80250del, p.Gly26751fs (NM_133378.4); c.61134del, p.Gly20379fs (NM_133432.3); c.61335del, p.Gly20446fs (NM_133437.4); short protein forms G27678fs, G20254fs, G26751fs, G29319fs, G20379fs, G20446fs.
Identifiers: ClinVar variation 1488171 (VCV001488171.8), dbSNP rs2154155537, ClinGen allele CA2573134125.